The following is an entry in ClinVar:

NM_014271.4(IL1RAPL1):c.621AGA[1] (p.Glu208del)

Gene: IL1RAPL1 (interleukin 1 receptor accessory protein like 1; plus strand). Cytogenetic location: Xp21.2.
Variant type: Microsatellite.
Coding change: c.621AGA[1] on transcript NM_014271.4 (MANE Select); one copy of the 3-base unit AGA starting at c.621; the reference has two copies in a row; one copy, 3 bases deleted.
Protein change: p.Glu208del; deletes glutamic acid 208.
Molecular consequence: inframe deletion.
Genome position (GRCh38, 1-based): chrX:29,399,229-29,399,231, AGA deleted; deleting any 3 consecutive bases within chrX:29,399,226-29,399,231 gives the same sequence; the position shown is the placement nearest the transcript's 3' end. VCF-style (leftmost placement, unchanged base first): chrX-29399225-GAGA-G. GRCh37 (hg19) VCF-style: chrX-29417342-GAGA-G.
Other names: short protein forms E208del.
Identifiers: ClinVar variation 421811 (VCV000421811.3), dbSNP rs1064795372, ClinGen allele CA16621355.
Genomic context (GRCh38, chrX:29,399,225, plus strand): 5'-CAAAAACATGGAGGCCAAGTATTGTATTCAAAAGAGATACTCTGCTTATAAGAGAAGTCA[GAGA>G]AGATGACATTGGAAATTATACCTGTGAATTAAAATATGGAGGCTTTGTTGTGAGAAGAAC-3'

ClinVar aggregate classification (germline): Likely pathogenic (1 of 4 stars; one submission).

Conditions:
IL1RAPL1-related disorder. Also called: IL1RAPL1-related condition.

Submission:

GeneDx
Classification: Likely pathogenic. Last evaluated: 2016-08-01. Review status: criteria provided, single submitter. Criteria: GeneDx Variant Classification (06012015). Collection method: clinical testing. Allele origin: germline. Affected: yes.
Comment: The c.624_c.626delAGA variant in the IL1RAPL1 gene has not been reported previously as a pathogenic variant nor as a benign variant, to our knowledge. The c.624_c.626delAGA variant causes an in-frame deletion of codon Glutamic Acid 208, denoted p.Glu208del. This deletion occurs at a residue that is conserved among species. The c.624_c.626delAGA variant was not observed in approximately 6,500 individuals of European and African American ancestry in the NHLBI Exome Sequencing Project, indicating it is not a common benign variant in these populations. The c.624_c.626delAGA variant is a strong candidate for a pathogenic variant, however, the possibility it may be a rare benign variant cannot be excluded.